The following continues an entry in ClinVar:

NM_000492.4(CFTR):c.3154T>G (p.Phe1052Val)

ClinVar aggregate classification (germline): drug response. drug response (1).

Submissions 29 to 39 of 39:

Johns Hopkins Genomics, Johns Hopkins University
Classification: Likely pathogenic for Cystic fibrosis. Last evaluated: 2019-03-01. Review status: criteria provided, single submitter. Criteria: ACMG Guidelines, 2015. Collection method: clinical testing. Allele origin: germline. Not counted in ClinVar's aggregate classification.

Mendelics
Classification: Uncertain significance for Cystic fibrosis. Last evaluated: 2018-11-05. Review status: criteria provided, single submitter. Criteria: Mendelics Assertion Criteria 2017. Collection method: clinical testing. Allele origin: unknown. Affected: yes. Not counted in ClinVar's aggregate classification.

Eurofins Ntd Llc (ga)
Classification: Uncertain significance. Last evaluated: 2018-07-06. Review status: criteria provided, single submitter. Criteria: EGL ClinVar v180209 classification definitions. Collection method: clinical testing. Allele origin: germline. Observed: 7 variant alleles, 7 heterozygotes. Not counted in ClinVar's aggregate classification.

Center of Genomic medicine, Geneva, University Hospital of Geneva
Classification: Uncertain significance for Hereditary pancreatitis. Last evaluated: 2018-04-27. Review status: criteria provided, single submitter. Criteria: ACMG Guidelines, 2015. Collection method: clinical testing. Allele origin: maternal. Affected: yes. Not counted in ClinVar's aggregate classification.

CFTR-France
Classification: Pathogenic for CFTR-related disorders. Last evaluated: 2018-03-26. Review status: criteria provided, single submitter. Criteria: Claustres M et al. (Hum Mutat 2017). Collection method: curation. Allele origin: germline. Affected: yes and no. Not counted in ClinVar's aggregate classification.

Center for Pediatric Genomic Medicine, Children's Mercy Hospital and Clinics
Classification: Pathogenic. Last evaluated: 2015-03-06. Review status: criteria provided, single submitter. Criteria: ACMG Guidelines, 2015. Collection method: clinical testing. Allele origin: germline. Not counted in ClinVar's aggregate classification.

Baylor Genetics
Classification: Pathogenic for Congenital bilateral aplasia of vas deferens from CFTR mutation; Cystic fibrosis. Review status: criteria provided, single submitter. Criteria: ACMG Guidelines, 2015. Collection method: clinical testing. Allele origin: germline. Not counted in ClinVar's aggregate classification.

Juno Genomics, Hangzhou Juno Genomics, Inc
Classification: Likely pathogenic for Bronchiectasis with or without elevated sweat chloride 1; Hereditary pancreatitis; Congenital bilateral aplasia of vas deferens from CFTR mutation; Cystic fibrosis. Review status: criteria provided, single submitter. Criteria: ACMG Guidelines, 2015. Collection method: clinical testing. Allele origin: germline. Not counted in ClinVar's aggregate classification.
Comment: Absent from controls (or at extremely low frequency if recessive) in Genome Aggregation Database.;Well-established in vitro or in vivo functional studies supportive of a damaging effect on the gene or gene product.;For recessive disorders, detected in trans with a pathogenic variant.;Patient's phenotype or family history is highly specific for a disease with a single genetic etiology.

Kariminejad - Najmabadi Pathology & Genetics Center
Classification: Likely pathogenic for Cystic fibrosis. Review status: criteria provided, single submitter. Criteria: ACMG Guidelines, 2015. Collection method: clinical testing. Allele origin: germline. Affected: no. Not counted in ClinVar's aggregate classification.

Genome Diagnostics Laboratory, The Hospital for Sick Children
Classification: Likely pathogenic for CFTR-related disorders. Last evaluated: 2021-03-30. Review status: no assertion criteria provided. Collection method: clinical testing. Allele origin: germline. Not counted in ClinVar's aggregate classification.

Department of Pathology and Laboratory Medicine, Sinai Health System
Classification: Uncertain significance. Review status: no assertion criteria provided. Collection method: clinical testing. Allele origin: unknown. Affected: yes. Study: The Canadian Open Genetics Repository (COGR). Not counted in ClinVar's aggregate classification.
Comment: The CFTR p.Phe1052Val variant was identified in 7 of 2126 proband chromosomes (frequency: 0.003) from individuals or families with cystic fibrosis (CF) or pancreatitis and was identified in 4 of 422 control chromosomes (frequency: 0.009) (Tzets_2007_PMID: 17489851; Grangeia_2018_PMID: 29589582; Pelletier_2010_PMID: 20460946). The variant was also identified in dbSNP (ID: rs150212784), ClinVar (classified as a VUS by five submitters, likely pathogenic by two submitters and as pathogenic by two submitters) and LOVD 3.0; the variant was not identified in Cosmic. The variant was also identified in control databases in 177 of 281760 chromosomes (1 homozygous) at a frequency of 0.000628 increasing the likelihood this could be a low frequency benign variant (Genome Aggregation Database Feb 27, 2017). The variant was observed in the following populations: Ashkenazi Jewish in 21 of 10348 chromosomes (freq: 0.002029), Other in 9 of 7174 chromosomes (freq: 0.001255), European (non-Finnish) in 117 of 128594 chromosomes (freq: 0.00091), Latino in 22 of 35218 chromosomes (freq: 0.000625), European (Finnish) in 6 of 25038 chromosomes (freq: 0.00024) and South Asian in 2 of 30532 chromosomes (freq: 0.000066), while the variant was not observed in the African and East Asian populations. The F1052V and deltaF508 variants have also been reported in the compound heterozygous state in a patient with pancreatic cancer, however this individual was not affected with CF; this suggest that the F1052V variant may not be causal of CF (McWilliams_2010_PMID: 19885835). The p.Phe1052 residue is conserved in mammals and computational analyses (PolyPhen-2, SIFT, AlignGVGD, BLOSUM, MutationTaster) provide inconsistent predictions regarding the impact to the protein; this information is not very predictive of pathogenicity. The variant occurs outside of the splicing consensus sequence and in silico or computational prediction software programs (SpliceSiteFinder, MaxEntScan, NNSPLICE, GeneSplicer) do not predict a difference in splicing. In summary, based on the above information the clinical significance of this variant cannot be determined with certainty at this time. This variant is classified as a variant of uncertain significance.

Literature cited by the submitters: PubMed 23891399 (cited by 7 submitters); PubMed 11354633 (cited by Women's Health and Genetics/Laboratory Corporation of America, LabCorp); PubMed 7529962 (cited by Women's Health and Genetics/Laboratory Corporation of America, LabCorp); PubMed 15463907 (cited by Women's Health and Genetics/Laboratory Corporation of America, LabCorp); PubMed 9239681 (cited by Women's Health and Genetics/Laboratory Corporation of America, LabCorp and Labcorp Genetics (formerly Invitae), Labcorp); PubMed 10801389 (cited by Women's Health and Genetics/Laboratory Corporation of America, LabCorp and Labcorp Genetics (formerly Invitae), Labcorp); PubMed 19885835 (cited by 3 submitters); PubMed 17489851 (cited by 5 submitters); PubMed 1284534 (cited by Women's Health and Genetics/Laboratory Corporation of America, LabCorp); PubMed 8662892 (cited by 5 submitters); PubMed 8702904 (cited by 5 submitters); PubMed 7536669 (cited by Women's Health and Genetics/Laboratory Corporation of America, LabCorp); PubMed 18373402 (cited by 7 submitters); PubMed 9521595 (cited by 5 submitters); PubMed 11883825 (cited by 3 submitters); PubMed 12439892 (cited by 4 submitters); PubMed 7544319 (cited by 3 submitters); PubMed 20460946 (cited by 5 submitters); PubMed 20021716 (cited by Women's Health and Genetics/Laboratory Corporation of America, LabCorp and Genome Diagnostics Laboratory, The Hospital for Sick Children); PubMed 7683628 (cited by Women's Health and Genetics/Laboratory Corporation of America, LabCorp and Ambry Genetics); PubMed 21131649 (cited by Women's Health and Genetics/Laboratory Corporation of America, LabCorp); PubMed 10970190 (cited by Women's Health and Genetics/Laboratory Corporation of America, LabCorp and Quest Diagnostics Nichols Institute San Juan Capistrano); PubMed 19318035 (cited by Women's Health and Genetics/Laboratory Corporation of America, LabCorp and Labcorp Genetics (formerly Invitae), Labcorp); PubMed 12200467 (cited by Women's Health and Genetics/Laboratory Corporation of America, LabCorp and Quest Diagnostics Nichols Institute San Juan Capistrano); PubMed 15480987 (cited by Women's Health and Genetics/Laboratory Corporation of America, LabCorp and Quest Diagnostics Nichols Institute San Juan Capistrano); PubMed 9620832 (cited by Women's Health and Genetics/Laboratory Corporation of America, LabCorp and Ambry Genetics); PubMed 23974870 (cited by 5 submitters); PubMed 22892530 (cited by Women's Health and Genetics/Laboratory Corporation of America, LabCorp and Sema4); PubMed 28603918 (cited by 3 submitters); PubMed 28408918 (cited by Women's Health and Genetics/Laboratory Corporation of America, LabCorp); PubMed 26436105 (cited by Women's Health and Genetics/Laboratory Corporation of America, LabCorp); PubMed 25033378 (cited by 3 submitters); PubMed 29589582 (cited by 3 submitters); PubMed 29168366 (cited by 3 submitters); PubMed 23523379 (cited by Women's Health and Genetics/Laboratory Corporation of America, LabCorp); PubMed 30540547 (cited by Women's Health and Genetics/Laboratory Corporation of America, LabCorp and Sema4); PubMed 32150665 (cited by 3 submitters); PubMed 38388235 (cited by Women's Health and Genetics/Laboratory Corporation of America, LabCorp); PubMed 32003094 (cited by Natera, Inc.); PubMed 34860163 (cited by Natera, Inc.); PubMed 25704068 (cited by Department of Molecular Genetics, Istishari Arab Hospital and Sema4); PubMed 11938439 (cited by Department of Molecular Genetics, Istishari Arab Hospital); PubMed 33393655 (cited by Genome Diagnostics Laboratory, The Hospital for Sick Children and Sema4); PubMed 27214204 (cited by Ambry Genetics); PubMed 27469177 (cited by Ambry Genetics); PubMed 34949556 (cited by Ambry Genetics); PubMed 12843327 (cited by Labcorp Genetics (formerly Invitae), Labcorp); PubMed 24204751 (cited by Labcorp Genetics (formerly Invitae), Labcorp and Sema4); PubMed 26823392 (cited by Labcorp Genetics (formerly Invitae), Labcorp); PubMed 35418593 (cited by Quest Diagnostics Nichols Institute San Juan Capistrano); PubMed 36458240 (cited by Quest Diagnostics Nichols Institute San Juan Capistrano); PubMed 32113160 (cited by Sema4).